The following is an entry in ClinVar:

NM_000057.4(BLM):c.492G>C (p.Glu164Asp)

Gene: BLM (BLM RecQ like helicase; plus strand). Cytogenetic location: 15q26.1.
Variant type: single nucleotide variant.
Coding change: c.492G>C on transcript NM_000057.4 (MANE Select); coding-DNA position 492, G replaced by C.
Protein change: p.Glu164Asp; replaces glutamic acid 164 with aspartic acid.
Molecular consequence: missense variant. On other transcripts: 5 prime UTR variant (1).
Genome position (GRCh38, 1-based): chr15:90,749,760, G>C. VCF-style: chr15-90749760-G-C. GRCh37 (hg19) VCF-style: chr15-91292990-G-C.
Other names: c.492G>C, p.Glu164Asp (NM_001287246.2, NM_001287247.2); c.-800G>C (NM_001287248.2); short protein forms E164D.
Identifiers: ClinVar variation 2966188 (VCV002966188.3), dbSNP rs1895620873, ClinGen allele CA393840908.
Genomic context (GRCh38, chr15:90,749,760, plus strand): 5'-ACCAGATTCTTTAAGTACCATCAATGATTGGGATGATATGGATGACTTTGATACTTCTGA[G>C]ACTTCAAAATCATTTGTTACACCACCCCAAAGTCACTTTGTAAGAGTAAGCACTGCTCAG-3'
Protein context (NP_000048.1, residues 154-174): WDDMDDFDTS[Glu164Asp]TSKSFVTPPQ

ClinVar aggregate classification (germline): Uncertain significance (1 of 4 stars; one submission).

Conditions:
Bloom syndrome (BLM). Also called: Bloom-Torre-Machacek syndrome. Identifiers: Orphanet 125, MedGen C0005859, MONDO:0008876, OMIM 210900.

Submission:

Labcorp Genetics (formerly Invitae), Labcorp
Classification: Uncertain significance for Bloom syndrome. Last evaluated: 2023-08-01. Review status: criteria provided, single submitter. Criteria: Invitae Variant Classification Sherloc (09022015). Collection method: clinical testing. Allele origin: germline.
Comment: In summary, the available evidence is currently insufficient to determine the role of this variant in disease. Therefore, it has been classified as a Variant of Uncertain Significance. An algorithm developed to predict the effect of missense changes on protein structure and function (PolyPhen-2) suggests that this variant is likely to be tolerated. This variant has not been reported in the literature in individuals affected with BLM-related conditions. This variant is not present in population databases (gnomAD no frequency). This sequence change replaces glutamic acid, which is acidic and polar, with aspartic acid, which is acidic and polar, at codon 164 of the BLM protein (p.Glu164Asp).